The following is an entry in ClinVar:

NM_021803.4(IL21):c.317A>G (p.Lys106Arg)

Gene: IL21 (interleukin 21; minus strand). Cytogenetic location: 4q27.
Variant type: single nucleotide variant.
Coding change: c.317A>G on transcript NM_021803.4 (MANE Select); coding-DNA position 317, A replaced by G.
Protein change: p.Lys106Arg; replaces lysine 106 with arginine.
Molecular consequence: missense variant.
Genome position (GRCh38, 1-based): chr4:122,615,725, T>C on the plus strand (A>G on the coding strand, the complement: IL21 is on the minus strand). VCF-style: chr4-122615725-T-C. GRCh37 (hg19) VCF-style: chr4-123536880-T-C.
Other names: c.317A>G, p.Lys106Arg (NM_001207006.3); c.317A>G (NM_021803.2); short protein forms K106R.
Identifiers: ClinVar variation 1992121 (VCV001992121.5), dbSNP rs143807041, ClinGen allele CA105235933.

ClinVar aggregate classification (germline): Uncertain significance. Review status: criteria provided, multiple submitters, no conflicts (2 of 4 stars). 2 submissions from 2 submitters: Uncertain significance (2). Last evaluated 2025-03-20.

Allele frequency attached by ClinVar (database versions not stated): gnomAD 0.00002; TOPMed 0.00002; ESP Exome Variant Server 0.00008.
gnomAD v4.1: 3 of 1,613,706 alleles (0.00019%); highest among the groups gnomAD compares: African/African-American, 0.0027%; no homozygotes.

Submissions (2):

Ambry Genetics
Classification: Uncertain significance. Last evaluated: 2025-03-20. Review status: criteria provided, single submitter. Criteria: Ambry Variant Classification Scheme 2023. Collection method: clinical testing. Allele origin: germline.

Labcorp Genetics (formerly Invitae), Labcorp
Classification: Uncertain significance. Last evaluated: 2023-10-13. Review status: criteria provided, single submitter. Criteria: Invitae Variant Classification Sherloc (09022015). Collection method: clinical testing. Allele origin: germline.
Comment: This sequence change replaces lysine, which is basic and polar, with arginine, which is basic and polar, at codon 106 of the IL21 protein (p.Lys106Arg). This variant is present in population databases (rs143807041, gnomAD 0.007%). This variant has not been reported in the literature in individuals affected with IL21-related conditions. ClinVar contains an entry for this variant (Variation ID: 1992121). Algorithms developed to predict the effect of missense changes on protein structure and function output the following: SIFT: "Not Available"; PolyPhen-2: "Benign"; Align-GVGD: "Not Available". The arginine amino acid residue is found in multiple mammalian species, which suggests that this missense change does not adversely affect protein function. In summary, the available evidence is currently insufficient to determine the role of this variant in disease. Therefore, it has been classified as a Variant of Uncertain Significance.